The following is an entry in ClinVar:

ClinVar aggregate classification (germline): Uncertain significance (1 of 4 stars; one submission).

Submission:

Labcorp Genetics (formerly Invitae), Labcorp
Classification: Uncertain significance. Last evaluated: 2025-05-01. Review status: criteria provided, single submitter. Criteria: Invitae Variant Classification Sherloc (09022015). Collection method: clinical testing. Allele origin: germline.
Comment: This sequence change replaces asparagine, which is neutral and polar, with aspartic acid, which is acidic and polar, at codon 640 of the PRPF6 protein (p.Asn640Asp). This variant is not present in population databases (gnomAD no frequency). This variant has not been reported in the literature in individuals affected with PRPF6-related conditions. Invitae Evidence Modeling of protein sequence and biophysical properties (such as structural, functional, and spatial information, amino acid conservation, physicochemical variation, residue mobility, and thermodynamic stability) indicates that this missense variant is not expected to disrupt PRPF6 protein function with a negative predictive value of 80%. In summary, the available evidence is currently insufficient to determine the role of this variant in disease. Therefore, it has been classified as a Variant of Uncertain Significance.

NM_012469.4(PRPF6):c.1918A>G (p.Asn640Asp)

Gene: PRPF6 (pre-mRNA processing factor 6; plus strand). Cytogenetic location: 20q13.33.
Variant type: single nucleotide variant.
Coding change: c.1918A>G on transcript NM_012469.4 (MANE Select); coding-DNA position 1918, A replaced by G.
Protein change: p.Asn640Asp; replaces asparagine 640 with aspartic acid.
Molecular consequence: missense variant.
Genome position (GRCh38, 1-based): chr20:64,025,948, A>G. VCF-style: chr20-64025948-A-G. GRCh37 (hg19) VCF-style: chr20-62657301-A-G.
Other names: short protein forms N640D.
Identifiers: ClinVar variation 4699102 (VCV004699102.1).